The following is an entry in ClinVar:

NM_000350.3(ABCA4):c.2383-13C>A

Gene: ABCA4 (ATP binding cassette subfamily A member 4; minus strand). Cytogenetic location: 1p22.1.
Variant type: single nucleotide variant.
Coding change: c.2383-13C>A on transcript NM_000350.3 (MANE Select); 13 bases into the intron before coding-DNA position 2383, C replaced by A.
Molecular consequence: intron variant.
Genome position (GRCh38, 1-based): chr1:94,055,328, G>T on the plus strand (C>A on the coding strand, the complement: ABCA4 is on the minus strand). VCF-style: chr1-94055328-G-T. GRCh37 (hg19) VCF-style: chr1-94520884-G-T.
Identifiers: ClinVar variation 2001854 (VCV002001854.4), dbSNP rs56026711, ClinGen allele CA2580063333.

ClinVar aggregate classification (germline): Uncertain significance (1 of 4 stars; one submission).

Submission:

Labcorp Genetics (formerly Invitae), Labcorp
Classification: Uncertain significance. Last evaluated: 2022-09-13. Review status: criteria provided, single submitter. Criteria: Invitae Variant Classification Sherloc (09022015). Collection method: clinical testing. Allele origin: germline.
Comment: In summary, the available evidence is currently insufficient to determine the role of this variant in disease. Therefore, it has been classified as a Variant of Uncertain Significance. Algorithms developed to predict the effect of sequence changes on RNA splicing suggest that this variant may disrupt the consensus splice site. This variant has been observed in individual(s) with retinal disease (Invitae). This variant is not present in population databases (gnomAD no frequency). This sequence change falls in intron 15 of the ABCA4 gene. It does not directly change the encoded amino acid sequence of the ABCA4 protein.